The following is an entry in ClinVar:

ClinVar aggregate classification (germline): Uncertain significance (1 of 4 stars; one submission).

Conditions:
Congenital myopathy 4B, autosomal recessive. Also called: Nemaline myopathy 1, autosomal dominant or recessive. Identifiers: Orphanet 171433, Orphanet 171439, Orphanet 171881, MedGen C5829889, MONDO:0012239, OMIM 609284.

Submission:

Institute of Human Genetics, University of Leipzig Medical Center
Classification: Uncertain significance for Congenital myopathy 4B, autosomal recessive. Last evaluated: 2022-01-10. Review status: criteria provided, single submitter. Criteria: ACMG Guidelines, 2015. Collection method: clinical testing. Allele origin: unknown. Affected: yes.
Comment: _x000D_ Criteria applied: PVS1_STR, PM2_SUP

NM_152263.4:c.(377+1_387-1)_(566+1_567-1)del

Gene: TPM3 (tropomyosin 3; minus strand).
Variant type: Deletion.
Other names: c.(377+1_387-1)_(566+1_567-1)del (NM_152263.4).
Identifiers: ClinVar variation 1338789 (VCV001338789.1).